The following is an entry in ClinVar:

ClinVar aggregate classification (germline): Uncertain significance (1 of 4 stars; one submission).

Conditions:
MC3R-related disorder. Also called: MC3R-related condition.

Submission:

PreventionGenetics, part of Exact Sciences
Classification: Uncertain significance for MC3R-related condition. Last evaluated: 2025-05-13. Review status: criteria provided, single submitter. Criteria: ACMG Guidelines, 2015. Collection method: clinical testing. Allele origin: germline.
Comment: The MC3R c.541G>T variant is predicted to result in the amino acid substitution p.Val181Phe. To our knowledge, this variant has not been reported in the literature or in a large population database (gnomAD), indicating this variant is rare. At this time, the clinical significance of this variant is uncertain due to the absence of conclusive functional and genetic evidence.

NM_019888.3(MC3R):c.541G>T (p.Val181Phe)

Gene: MC3R (melanocortin 3 receptor; plus strand). Cytogenetic location: 20q13.2.
Variant type: single nucleotide variant.
Coding change: c.541G>T on transcript NM_019888.3 (MANE Select); coding-DNA position 541, G replaced by T.
Protein change: p.Val181Phe; replaces valine 181 with phenylalanine.
Molecular consequence: missense variant.
Genome position (GRCh38, 1-based): chr20:56,249,384, G>T. VCF-style: chr20-56249384-G-T. GRCh37 (hg19) VCF-style: chr20-54824440-G-T.
Other names: short protein forms V181F.
Identifiers: ClinVar variation 5000027 (VCV005000027.1).
Genomic context (GRCh38, chr20:56,249,384, plus strand): 5'-GCCCTCACCTTGATCGTGGCCATCTGGGTCTGCTGCGGCGTCTGTGGCGTGGTGTTCATC[G>T]TCTACTCGGAGAGCAAAATGGTCATTGTGTGCCTCATCACCATGTTCTTCGCCATGATGC-3'
Protein context (NP_063941.3, residues 171-191): CCGVCGVVFI[Val181Phe]YSESKMVIVC